The following is an entry in ClinVar:

ClinVar aggregate classification (germline): Uncertain significance (1 of 4 stars; one submission).

Conditions:
Catecholaminergic polymorphic ventricular tachycardia (CVPT). Also called: Catecholamine-induced polymorphic ventricular tachycardia. Identifiers: Orphanet 3286, MedGen C5574922, MONDO:0017990.

Submission:

All of Us Research Program, National Institutes of Health
Classification: Uncertain significance for Catecholaminergic polymorphic ventricular tachycardia. Last evaluated: 2024-06-09. Review status: criteria provided, single submitter. Criteria: ACMG Guidelines, 2015. Collection method: clinical testing. Allele origin: germline. Inheritance: Autosomal dominant inheritance. Observed: 1 variant allele, 1 heterozygote.
Comment: This missense variant replaces glutamine with glutamic acid at codon 4488 of the RYR2 protein. Computational prediction is inconclusive regarding the impact of this variant on protein structure and function (internally defined REVEL score threshold 0.5 < inconclusive < 0.7, PMID: 27666373). To our knowledge, functional studies have not been reported for this variant. This variant has not been reported in individuals affected with RYR2-related disorders in the literature. This variant has not been identified in the general population by the Genome Aggregation Database (gnomAD). The available evidence is insufficient to determine the role of this variant in disease conclusively. Therefore, this variant is classified as a Variant of Uncertain Significance.

This study involves interpretation of variants in research participants for the purpose of population health screening. Participant phenotype was not available at the time of variant classification. Additional details can be found in publication PMID: 35346344, PMCID: PMC8962531

NM_001035.3(RYR2):c.13462C>G (p.Gln4488Glu)

Gene: RYR2 (ryanodine receptor 2; plus strand). Cytogenetic location: 1q43.
Variant type: single nucleotide variant.
Coding change: c.13462C>G on transcript NM_001035.3 (MANE Select); coding-DNA position 13462, C replaced by G.
Protein change: p.Gln4488Glu; replaces glutamine 4488 with glutamic acid.
Molecular consequence: missense variant.
Genome position (GRCh38, 1-based): chr1:237,788,121, C>G. VCF-style: chr1-237788121-C-G. GRCh37 (hg19) VCF-style: chr1-237951421-C-G.
Other names: short protein forms Q4488E.
Identifiers: ClinVar variation 3385864 (VCV003385864.1).